The following is an entry in ClinVar:

ClinVar aggregate classification (germline): Uncertain significance (1 of 4 stars; one submission).

Allele frequency attached by ClinVar (database versions not stated): gnomAD exomes below 0.00001; ExAC 0.00001; gnomAD 0.00002; TOPMed 0.00002; 1000 Genomes Project 30x 0.00021; 1000 Genomes Project 0.00026.
gnomAD v4.1: 5 of 1,091,262 alleles (0.00046%); highest among the groups gnomAD compares: East Asian, 0.012%; no homozygotes.

Submission:

Labcorp Genetics (formerly Invitae), Labcorp
Classification: Uncertain significance. Last evaluated: 2022-06-22. Review status: criteria provided, single submitter. Criteria: Invitae Variant Classification Sherloc (09022015). Collection method: clinical testing. Allele origin: germline.
Comment: This variant has not been reported in the literature in individuals affected with MAGED2-related conditions. In summary, the available evidence is currently insufficient to determine the role of this variant in disease. Therefore, it has been classified as a Variant of Uncertain Significance. This sequence change falls in intron 10 of the MAGED2 gene. It does not directly change the encoded amino acid sequence of the MAGED2 protein. This variant is present in population databases (rs754979904, gnomAD 0.008%).

NM_177433.3(MAGED2):c.1272-15A>C

Gene: MAGED2 (MAGE family member D2; plus strand). Cytogenetic location: Xp11.21.
Variant type: single nucleotide variant.
Coding change: c.1272-15A>C on transcript NM_177433.3 (MANE Select); 15 bases into the intron before coding-DNA position 1272, A replaced by C.
Molecular consequence: intron variant.
Genome position (GRCh38, 1-based): chrX:54,814,646, A>C. VCF-style: chrX-54814646-A-C. GRCh37 (hg19) VCF-style: chrX-54841079-A-C.
Other names: c.1272-15A>C (NM_014599.6, NM_201222.3).
Identifiers: ClinVar variation 2110605 (VCV002110605.4), dbSNP rs754979904, ClinGen allele CA10426867.
Genomic context (GRCh38, chrX:54,814,646, plus strand): 5'-GGAGCCTGTCCAGTCTATGCATGGGTAGGCCATGAATGGTCTTAGAAATAAAGGCTTTGA[A>C]CCTCTCTTTCCAAGGTACCTGGACTATGCCAGAGTCCCCAATAGCAATCCCCCTGAATAT-3'